The following is an entry in ClinVar:

ClinVar aggregate classification (germline): Uncertain significance (1 of 4 stars; one submission).

Submission:

Labcorp Genetics (formerly Invitae), Labcorp
Classification: Uncertain significance. Last evaluated: 2024-07-22. Review status: criteria provided, single submitter. Criteria: Invitae Variant Classification Sherloc (09022015). Collection method: clinical testing. Allele origin: germline.
Comment: This sequence change affects an acceptor splice site in intron 19 of the TNNI3K gene. It is expected to disrupt RNA splicing. Variants that disrupt the donor or acceptor splice site typically lead to a loss of protein function (PMID: 16199547), however the current clinical and genetic evidence is not sufficient to establish whether loss-of-function variants in TNNI3K cause disease. This variant is not present in population databases (gnomAD no frequency). This variant has not been reported in the literature in individuals affected with TNNI3K-related conditions. Algorithms developed to predict the effect of sequence changes on RNA splicing suggest that this variant may disrupt the consensus splice site. In summary, the available evidence is currently insufficient to determine the role of this variant in disease. Therefore, it has been classified as a Variant of Uncertain Significance.

Literature cited by the submitters: PubMed 16199547.

NM_015978.3(TNNI3K):c.1879-1G>A

Genes: FPGT-TNNI3K (FPGT-TNNI3K readthrough; plus strand), TNNI3K (TNNI3 interacting kinase; plus strand). Cytogenetic location: 1p31.1.
Variant type: single nucleotide variant.
Coding change: c.1879-1G>A on transcript NM_015978.3 (MANE Select); the canonical splice acceptor site of the intron before coding-DNA position 1879, G replaced by A.
Molecular consequence: splice acceptor variant.
Genome position (GRCh38, 1-based): chr1:74,439,489, G>A. VCF-style: chr1-74439489-G-A. GRCh37 (hg19) VCF-style: chr1-74905173-G-A.
Other names: c.2182-1G>A (NM_001112808.3, NM_001199327.2).
Identifiers: ClinVar variation 3682951 (VCV003682951.2).